The following is an entry in ClinVar:

NM_001130823.3(DNMT1):c.3140C>T (p.Thr1047Ile)

Gene: DNMT1 (DNA methyltransferase 1; minus strand). Cytogenetic location: 19p13.2.
Variant type: single nucleotide variant.
Coding change: c.3140C>T on transcript NM_001130823.3 (MANE Select); coding-DNA position 3140, C replaced by T.
Protein change: p.Thr1047Ile; replaces threonine 1047 with isoleucine.
Molecular consequence: missense variant.
Genome position (GRCh38, 1-based): chr19:10,142,197, G>A on the plus strand (C>T on the coding strand, the complement: DNMT1 is on the minus strand). VCF-style: chr19-10142197-G-A. GRCh37 (hg19) VCF-style: chr19-10252873-G-A.
Other names: c.3140C>T (NM_001130823.2); c.3092C>T, p.Thr1031Ile (NM_001318730.2, NM_001379.4); c.2777C>T, p.Thr926Ile (NM_001318731.2); short protein forms T1031I, T1047I, T926I.
Identifiers: ClinVar variation 2649288 (VCV002649288.25), dbSNP rs780153466, ClinGen allele CA9187830.

ClinVar aggregate classification (germline): Uncertain significance. Review status: criteria provided, multiple submitters, no conflicts (2 of 4 stars). 2 submissions from 2 submitters: Uncertain significance (2). Last evaluated 2025-05-21.

Conditions:
DNMT1-related disorder. Also called: DNMT1-related condition. Identifiers: MedGen CN381527.

Allele frequency attached by ClinVar (database versions not stated): ExAC 0.00001; gnomAD exomes 0.00001.
gnomAD v4.1: 7 of 1,614,054 alleles (0.00043%); highest among the groups gnomAD compares: South Asian, 0.0066%; no homozygotes.

Submissions (2):

PreventionGenetics, part of Exact Sciences
Classification: Uncertain significance for DNMT1-related condition. Last evaluated: 2025-05-21. Review status: criteria provided, single submitter. Criteria: ACMG Guidelines, 2015. Collection method: clinical testing. Allele origin: germline.
Comment: The DNMT1 c.3140C>T variant is predicted to result in the amino acid substitution p.Thr1047Ile. To our knowledge, this variant has not been reported in the literature. This variant is reported in 0.0065% of alleles in individuals of South Asian descent in gnomAD. At this time, the clinical significance of this variant is uncertain due to the absence of conclusive functional and genetic evidence.

CeGaT Center for Human Genetics Tuebingen
Classification: Uncertain significance. Last evaluated: 2022-08-01. Review status: criteria provided, single submitter. Criteria: CeGaT Center For Human Genetics Tuebingen Variant Classification Criteria Version 2. Collection method: clinical testing. Allele origin: germline. Affected: yes. Observed: 1 variant allele.
Comment: DNMT1: PP2, BP4